The following is an entry in ClinVar:

NM_000368.5(TSC1):c.2804T>G (p.Leu935Arg)

Gene: TSC1 (TSC complex subunit 1; minus strand). Cytogenetic location: 9q34.13.
Variant type: single nucleotide variant.
Coding change: c.2804T>G on transcript NM_000368.5 (MANE Select); coding-DNA position 2804, T replaced by G.
Protein change: p.Leu935Arg; replaces leucine 935 with arginine.
Molecular consequence: missense variant.
Genome position (GRCh38, 1-based): chr9:132,897,432, A>C on the plus strand (T>G on the coding strand, the complement: TSC1 is on the minus strand). VCF-style: chr9-132897432-A-C. GRCh37 (hg19) VCF-style: chr9-135772819-A-C.
Other names: c.2801T>G, p.Leu934Arg (NM_001162426.2); c.2651T>G, p.Leu884Arg (NM_001162427.2); c.2441T>G, p.Leu814Arg (NM_001362177.2); short protein forms L814R, L884R, L935R, L934R.
Identifiers: ClinVar variation 1375436 (VCV001375436.10), dbSNP rs2131630651, ClinGen allele CA375369014.

ClinVar aggregate classification (germline): Uncertain significance. Review status: criteria provided, multiple submitters, no conflicts (2 of 4 stars). 3 submissions from 3 submitters: Uncertain significance (3). Last evaluated 2026-01-14.

Conditions:
Tuberous sclerosis 1 (TSC1). Identifiers: Orphanet 805, MedGen C1854465, MONDO:0008612, OMIM 191100.
Hereditary cancer-predisposing syndrome. Also called: Hereditary Cancer Syndrome; Hereditary neoplastic syndrome; Neoplastic Syndromes, Hereditary; Tumor predisposition. Identifiers: Orphanet 140162, MedGen C0027672, MeSH D009386, MONDO:0015356.

Submissions (3):

Helix
Classification: Uncertain significance for Tuberous sclerosis 1. Last evaluated: 2026-01-14. Review status: criteria provided, single submitter. Criteria: ACMG Guidelines, 2015. Collection method: clinical testing. Allele origin: germline. Inheritance: Autosomal dominant inheritance.
Comment: This variant (NM_000368.5:c.2804T>G p.Leu935Arg) results in the substitution of leucine with arginine at codon 935 in the TSC1 protein. It is a rare variant that is absent from the large gnomAD population database (v4.1). To our knowledge, this variant has not been reported in individuals with TSC1-related conditions in the published literature. In silico prediction from REVEL (PMID: 27666373) suggests that this variant may be benign. This variant is present in ClinVar (Variation ID: 1375436). In conclusion, since the available evidence is limited, the clinical significance of this variant is unclear at this time. Therefore, it is classified as a Variant of Uncertain Significance.

Ambry Genetics
Classification: Uncertain significance for Hereditary cancer-predisposing syndrome. Last evaluated: 2025-10-21. Review status: criteria provided, single submitter. Criteria: Ambry Variant Classification Scheme 2023. Collection method: clinical testing. Allele origin: germline.
Comment: The p.L935R variant (also known as c.2804T>G), located in coding exon 19 of the TSC1 gene, results from a T to G substitution at nucleotide position 2804. The leucine at codon 935 is replaced by arginine, an amino acid with dissimilar properties. This amino acid position is conserved. In addition, this alteration is predicted to be tolerated by in silico analysis. Since supporting evidence is limited at this time, the clinical significance of this alteration remains unclear.

Labcorp Genetics (formerly Invitae), Labcorp
Classification: Uncertain significance for Tuberous sclerosis 1. Last evaluated: 2022-02-19. Review status: criteria provided, single submitter. Criteria: Invitae Variant Classification Sherloc (09022015). Collection method: clinical testing. Allele origin: germline.
Comment: This variant has not been reported in the literature in individuals affected with TSC1-related conditions. This variant is not present in population databases (gnomAD no frequency). This sequence change replaces leucine, which is neutral and non-polar, with arginine, which is basic and polar, at codon 935 of the TSC1 protein (p.Leu935Arg). In summary, the available evidence is currently insufficient to determine the role of this variant in disease. Therefore, it has been classified as a Variant of Uncertain Significance. Algorithms developed to predict the effect of missense changes on protein structure and function (SIFT, PolyPhen-2, Align-GVGD) all suggest that this variant is likely to be tolerated.